The following is an entry in ClinVar:

NM_006648.4(WNK2):c.3068T>G (p.Ile1023Ser)

Gene: WNK2 (WNK lysine deficient protein kinase 2; plus strand). Cytogenetic location: 9q22.31.
Variant type: single nucleotide variant.
Coding change: c.3068T>G on transcript NM_006648.4 (MANE Select); coding-DNA position 3068, T replaced by G.
Protein change: p.Ile1023Ser; replaces isoleucine 1023 with serine.
Molecular consequence: missense variant.
Genome position (GRCh38, 1-based): chr9:93,261,815, T>G. VCF-style: chr9-93261815-T-G. GRCh37 (hg19) VCF-style: chr9-96024097-T-G.
Other names: c.3068T>G, p.Ile1023Ser (NM_001282394.3); short protein forms I1023S.
Identifiers: ClinVar variation 4844867 (VCV004844867.1).
Genomic context (GRCh38, chr9:93,261,815, plus strand): 5'-GGCCCCCTCAGTGAAGGCAGCGCCGGCCCTGACTTGCACCTTGTCCCCTGTGCCCCCAGA[T>G]TCTGCTTGGCCACCCAGCTCCCTATGCTGTGGACGTCGCCGCTCAGGTCCCCACCGTGCC-3'
Protein context (NP_006639.3, residues 1013-1033): AAPAATPGSQ[Ile1023Ser]LLGHPAPYAV

ClinVar aggregate classification (germline): Uncertain significance (1 of 4 stars; one submission).

gnomAD v4.1: 2 of 1,585,378 alleles (0.00013%); highest among the groups gnomAD compares: Non-Finnish European, 0.000086%; no homozygotes.

Submission:

Ambry Genetics
Classification: Uncertain significance. Last evaluated: 2026-01-20. Review status: criteria provided, single submitter. Criteria: Ambry Variant Classification Scheme 2023. Collection method: clinical testing. Allele origin: germline.
Comment: The p.I1023S variant (also known as c.3068T>G), located in coding exon 12 of the WNK2 gene, results from a T to G substitution at nucleotide position 3068. The isoleucine at codon 1023 is replaced by serine, an amino acid with dissimilar properties. This amino acid position is conserved. In addition, this alteration is predicted to be tolerated by in silico analysis. Based on the available evidence, the clinical significance of this variant remains unclear.